The following is an entry in ClinVar:

ClinVar aggregate classification (germline): Pathogenic. Review status: no assertion criteria provided (0 of 4 stars). 2 submissions from 2 submitters: Pathogenic (2). Last evaluated 2021-04-14.

Conditions:
Hearing loss, autosomal dominant 80. Also called: DEAFNESS, AUTOSOMAL DOMINANT 80. Identifiers: MedGen C5543289, MONDO:0030998, OMIM 619274.
Inner ear malformation. Identifiers: MedGen C4231418.

Submissions (2):

OMIM
Classification: Pathogenic for DEAFNESS, AUTOSOMAL DOMINANT 80. Last evaluated: 2021-04-14. Review status: no assertion criteria provided. Collection method: literature only. Allele origin: germline.

Center for Statistical Genetics, Columbia University
Classification: Pathogenic for Inner ear Malformation. Last evaluated: 2017-11-25. Review status: no assertion criteria provided. Collection method: research. Allele origin: de novo. Inheritance: Autosomal dominant inheritance. Affected: yes. Observed: 1 variant allele, 1 heterozygote.
Comment: de novo mutation

Literature cited by the submitters: PubMed 29955957 (cited by OMIM).

NM_001142966.3(GREB1L):c.982C>T (p.Arg328Ter)

Genes: GREB1L (GREB1 like retinoic acid receptor coactivator; plus strand), GREB1L-AS1 (GREB1L antisense RNA 1; minus strand). Cytogenetic location: 18q11.1.
Variant type: single nucleotide variant.
Coding change: c.982C>T on transcript NM_001142966.3 (MANE Select); coding-DNA position 982, C replaced by T.
Protein change: p.Arg328Ter; replaces arginine 328 with a stop codon.
Molecular consequence: nonsense.
Genome position (GRCh38, 1-based): chr18:21,440,301, C>T. VCF-style: chr18-21440301-C-T. GRCh37 (hg19) VCF-style: chr18-19020262-C-T.
Other names: short protein forms R328*.
Identifiers: ClinVar variation 446526 (VCV000446526.5), dbSNP rs1555648043, ClinGen allele CA401798983.
Genomic context (GRCh38, chr18:21,440,301, plus strand): 5'-TTTTTTTTGTTTTTTTGTTTGTCTTCAGCTACCATGTTCATTTCTGGGCCACCAAAGAAA[C>T]GACACCGGGGATGGTATCCTGGGTCACCTCTCCCCCAACCTGGCTTAGTTGTACCTGTCC-3'